The following is an entry in ClinVar:

ClinVar aggregate classification (germline): Uncertain significance (1 of 4 stars; one submission).

Submission:

GeneDx
Classification: Uncertain significance. Last evaluated: 2026-03-31. Review status: criteria provided, single submitter. Criteria: GeneDx Variant Classification Process June 2021. Collection method: clinical testing. Allele origin: germline.
Comment: Not observed at significant frequency in large population cohorts (gnomAD); In silico analysis suggests that this missense variant does not alter protein structure/function; Has not been previously published as pathogenic or benign to our knowledge

NM_020987.5(ANK3):c.5167C>G (p.Leu1723Val)

Gene: ANK3 (ankyrin 3; minus strand). Cytogenetic location: 10q21.2.
Variant type: single nucleotide variant.
Coding change: c.5167C>G on transcript NM_020987.5 (MANE Select); coding-DNA position 5167, C replaced by G.
Protein change: p.Leu1723Val; replaces leucine 1723 with valine.
Molecular consequence: missense variant. On other transcripts: intron variant (4).
Genome position (GRCh38, 1-based): chr10:60,075,714, G>C on the plus strand (C>G on the coding strand, the complement: ANK3 is on the minus strand). VCF-style: chr10-60075714-G-C. GRCh37 (hg19) VCF-style: chr10-61835472-G-C.
Other names: c.4387+4823C>G (NM_001204403.2); c.4408+4823C>G (NM_001204404.2); c.4405+4823C>G (NM_001320874.2); c.1807+4823C>G (NM_001149.4); short protein forms L1723V.
Identifiers: ClinVar variation 5018052 (VCV005018052.1).